The following is an entry in ClinVar:

ClinVar aggregate classification (germline): Uncertain significance (1 of 4 stars; one submission).

Conditions:
Acute lymphoid leukemia (ALL). Also called: Acute lymphoblastic leukemia; Acute lymphocytic leukemia; Leukemia, acute lymphoblastic, somatic; Lymphoblastic leukemia. Identifiers: Orphanet 513, MedGen C0023449, MONDO:0004967, OMIM 613065, HP:0006721.

Submission:

St. Jude Molecular Pathology, St. Jude Children's Research Hospital
Classification: Uncertain significance for Acute lymphoid leukemia. Last evaluated: 2021-12-09. Review status: criteria provided, single submitter. Criteria: St. Jude Assertion Criteria 2020. Collection method: clinical testing. Allele origin: germline.
Comment: The IKZF1 c.1034G>A (p.Ser345Asn) missense change is absent in gnomAD v2.1.1 (PM2_supporting). This variant occurs in a gene where missense variants are more likely to be damaging based on methods described by Lek et al. (PP2; PMID: 27535533). Five of six in silico tools predict a benign effect of this variant on protein function (BP4), but to our knowledge these predictions have not been confirmed by functional assays. To our knowledge, this variant has not been reported in individuals with acute lymphoblastic leukemia or immunodeficiency. In summary, this variant meets criteria to be classified as of uncertain significance based on the ACMG/AMP criteria: PM2_supporting, PP2, BP4.

NM_006060.6(IKZF1):c.1034G>A (p.Ser345Asn)

Gene: IKZF1 (IKAROS family zinc finger 1; plus strand). Cytogenetic location: 7p12.2.
Variant type: single nucleotide variant.
Coding change: c.1034G>A on transcript NM_006060.6 (MANE Select); coding-DNA position 1034, G replaced by A.
Protein change: p.Ser345Asn; replaces serine 345 with asparagine.
Molecular consequence: missense variant.
Genome position (GRCh38, 1-based): chr7:50,400,101, G>A. VCF-style: chr7-50400101-G-A. GRCh37 (hg19) VCF-style: chr7-50467799-G-A.
Other names: c.908G>A, p.Ser303Asn (NM_001220765.3, NM_001291837.2); c.743G>A, p.Ser248Asn (NM_001220767.2); c.773G>A, p.Ser258Asn (NM_001220768.2, NM_001291838.2); c.617G>A, p.Ser206Asn (NM_001220770.2); c.605G>A, p.Ser202Asn (NM_001220771.2, NM_001291841.1); c.647G>A, p.Ser216Asn (NM_001291839.2); c.344G>A, p.Ser115Asn (NM_001291840.1); c.575G>A, p.Ser192Asn (NM_001291842.1); and 2 more; short protein forms S115N, S150N, S160N, S192N, S202N, S206N, S216N, S248N.
Identifiers: ClinVar variation 1327578 (VCV001327578.3), dbSNP rs2153518093, ClinGen allele CA367524281.